The following is an entry in ClinVar:

ClinVar aggregate classification (germline): Uncertain significance (1 of 4 stars; one submission).

Allele frequency attached by ClinVar (database versions not stated): gnomAD exomes below 0.00001; gnomAD 0.00001.

Submission:

Labcorp Genetics (formerly Invitae), Labcorp
Classification: Uncertain significance. Last evaluated: 2022-01-16. Review status: criteria provided, single submitter. Criteria: Invitae Variant Classification Sherloc (09022015). Collection method: clinical testing. Allele origin: germline.
Comment: In summary, the available evidence is currently insufficient to determine the role of this variant in disease. Therefore, it has been classified as a Variant of Uncertain Significance. Algorithms developed to predict the effect of missense changes on protein structure and function (SIFT, PolyPhen-2, Align-GVGD) all suggest that this variant is likely to be disruptive. This variant has not been reported in the literature in individuals affected with NEXMIF-related conditions. This variant is not present in population databases (gnomAD no frequency). This sequence change replaces tyrosine, which is neutral and polar, with cysteine, which is neutral and slightly polar, at codon 174 of the NEXMIF protein (p.Tyr174Cys).

NM_001008537.3(NEXMIF):c.521A>G (p.Tyr174Cys)

Gene: NEXMIF (neurite extension and migration factor; minus strand). Cytogenetic location: Xq13.3.
Variant type: single nucleotide variant.
Coding change: c.521A>G on transcript NM_001008537.3 (MANE Select); coding-DNA position 521, A replaced by G.
Protein change: p.Tyr174Cys; replaces tyrosine 174 with cysteine.
Molecular consequence: missense variant.
Genome position (GRCh38, 1-based): chrX:74,744,036, T>C on the plus strand (A>G on the coding strand, the complement: NEXMIF is on the minus strand). VCF-style: chrX-74744036-T-C. GRCh37 (hg19) VCF-style: chrX-73963871-T-C.
Other names: short protein forms Y174C.
Identifiers: ClinVar variation 1906126 (VCV001906126.5), dbSNP rs2080117421, ClinGen allele CA413673144.
Genomic context (GRCh38, chrX:74,744,036, plus strand): 5'-TTCATATTTTCTCCAGCATTAATACACTGAATCCCTATATCAGAGACTGCACACGTTTCA[T>C]AATCCCTATTTAGATCACCAACTTTCAGACTGATCCCTGGCTCAGGATCTACTGCATCCT-3'
Protein context (NP_001008537.1, residues 164-184): SLKVGDLNRD[Tyr174Cys]ETCAVSDIGI